The following is an entry in ClinVar:

NM_001447.3(FAT2):c.6974A>G (p.Asn2325Ser)

Genes: FAT2 (FAT atypical cadherin 2; minus strand), SLC36A1 (solute carrier family 36 member 1; plus strand). Cytogenetic location: 5q33.1.
Variant type: single nucleotide variant.
Coding change: c.6974A>G on transcript NM_001447.3 (MANE Select); coding-DNA position 6974, A replaced by G.
Protein change: p.Asn2325Ser; replaces asparagine 2325 with serine.
Molecular consequence: missense variant.
Genome position (GRCh38, 1-based): chr5:151,544,153, T>C on the plus strand (A>G on the coding strand, the complement: FAT2 is on the minus strand). VCF-style: chr5-151544153-T-C. GRCh37 (hg19) VCF-style: chr5-150923714-T-C.
Other names: short protein forms N2325S.
Identifiers: ClinVar variation 2063398 (VCV002063398.31), dbSNP rs146381949, ClinGen allele CA3521033.
Genomic context (GRCh38, chr5:151,544,153, plus strand): 5'-AAGTGTTGTTGGGCTTCATAATCCAGTTCTTGAACTGTGGACATCTCCCCTGTGCTCCCA[T>C]TGATCTGGAAGAACTTGGAAACATCTGAGCCATCCTCCACAATCTGATAAGAGACGTCAC-3'
Protein context (NP_001438.1, residues 2315-2335): GSDVSKFFQI[Asn2325Ser]GSTGEMSTVQ

ClinVar aggregate classification (germline): Conflicting classifications of pathogenicity. Review status: criteria provided, conflicting classifications (1 of 4 stars). 3 submissions from 3 submitters: Uncertain significance (1); Likely benign (2). Last evaluated 2026-05-01.

Allele frequency attached by ClinVar (database versions not stated): 1000 Genomes Project 30x 0.00031; 1000 Genomes Project 0.00040; TOPMed 0.00127; ExAC 0.00143; ESP Exome Variant Server 0.00146; gnomAD 0.00151; gnomAD exomes 0.00226.
gnomAD v4.1: 3,493 of 1,614,214 alleles (0.22%); highest among the groups gnomAD compares: Non-Finnish European, 0.27%; 9 homozygotes.

Submissions (4):

CeGaT Center for Human Genetics Tuebingen
Classification: Likely benign. Last evaluated: 2026-05-01. Review status: criteria provided, single submitter. Criteria: CeGaT Center For Human Genetics Tuebingen Variant Classification Criteria Version 2. Collection method: clinical testing. Allele origin: germline. Affected: yes. Observed: 9 variant alleles.
Comment: FAT2: PP2, BP4, BS1

Labcorp Genetics (formerly Invitae), Labcorp
Classification: Likely benign. Last evaluated: 2026-01-19. Review status: criteria provided, single submitter. Criteria: Invitae Variant Classification Sherloc (09022015). Collection method: clinical testing. Allele origin: germline.

Ambry Genetics
Classification: Uncertain significance. Last evaluated: 2025-08-22. Review status: criteria provided, single submitter. Criteria: Ambry Variant Classification Scheme 2023. Collection method: clinical testing. Allele origin: germline.

Dr. Peter K. Rogan Lab, Western University
No classification provided (evidence only). Condition: Malignant tumor of urinary bladder. Review status: no classification provided. Collection method: in vitro. Allele origin: not applicable. Functional consequence: retained intron. Not counted in ClinVar's aggregate classification.